The following is an entry in ClinVar:

NM_000051.4(ATM):c.3747-2A>G

Gene: ATM (ATM serine/threonine kinase; plus strand). Cytogenetic location: 11q22.3.
Variant type: single nucleotide variant.
Coding change: c.3747-2A>G on transcript NM_000051.4 (MANE Select); the canonical splice acceptor site of the intron before coding-DNA position 3747, A replaced by G.
Molecular consequence: splice acceptor variant.
Genome position (GRCh38, 1-based): chr11:108,284,225, A>G. VCF-style: chr11-108284225-A-G. GRCh37 (hg19) VCF-style: chr11-108154952-A-G.
Other names: c.3747-2A>G (NM_001351834.2).
Identifiers: ClinVar variation 371361 (VCV000371361.16), dbSNP rs1057517213, ClinGen allele CA16041404.

ClinVar aggregate classification (germline): Pathogenic/Likely pathogenic. Review status: criteria provided, multiple submitters, no conflicts (2 of 4 stars). 6 submissions from 6 submitters: Pathogenic (1); Likely pathogenic (4). 1 of the submissions does not count toward it. Last evaluated 2024-10-21.

Conditions:
Hereditary cancer-predisposing syndrome. Also called: Tumor predisposition; Hereditary Cancer Syndrome; Hereditary neoplastic syndrome; Neoplastic Syndromes, Hereditary. Identifiers: Orphanet 140162, MedGen C0027672, MeSH D009386, MONDO:0015356.
Familial cancer of breast. Also called: Hereditary breast cancer; BREAST CANCER, FAMILIAL; hereditary breast carcinoma. Identifiers: Orphanet 227535, MedGen C0346153, MONDO:0016419, OMIM 114480. Disease mechanism: loss of function.
Ataxia-telangiectasia syndrome (AT). Also called: ATAXIA-TELANGIECTASIA, COMPLEMENTATION GROUP A; ATAXIA-TELANGIECTASIA, FRESNO VARIANT; Ataxia-telangiectasia; Ataxia telangiectasia (A-T); Cerebello-oculocutaneous telangiectasia; Immunodeficiency with ataxia telangiectasia. Identifiers: Orphanet 100, MedGen C0004135, MONDO:0008840, OMIM 208900.

Submissions (6):

Color Diagnostics, LLC DBA Color Health
Classification: Likely pathogenic for Hereditary cancer-predisposing syndrome. Last evaluated: 2024-10-21. Review status: criteria provided, single submitter. Criteria: ACMG Guidelines, 2015. Collection method: clinical testing. Allele origin: germline.
Comment: This variant causes an A to G nucleotide substitution at the -2 position of intron 25 of the ATM gene. Splice site prediction tools predict that this variant may have a significant impact on RNA splicing. Although this prediction has not been confirmed in published RNA studies, this variant is expected to result in an absent or disrupted protein product. To our knowledge, this variant has not been reported in individuals affected with hereditary cancer in the literature. This variant has not been identified in the general population by the Genome Aggregation Database (gnomAD). Loss of ATM function is a known mechanism of disease. Based on the available evidence, this variant is classified as Likely Pathogenic.

Ambry Genetics
Classification: Likely pathogenic for Hereditary cancer-predisposing syndrome. Last evaluated: 2024-05-30. Review status: criteria provided, single submitter. Criteria: Ambry Variant Classification Scheme 2023. Collection method: clinical testing. Allele origin: germline.
Comment: The c.3747-2A>G intronic variant results from an A to G substitution two nucleotides upstream from coding exon 25 in the ATM gene. This nucleotide position is highly conserved in available vertebrate species. In silico splice site analysis predicts that this alteration will weaken the native splice acceptor site and will result in the creation or strengthening of a novel splice acceptor site. RNA studies have demonstrated that this alteration results in abnormal splicing in the set of samples tested (Ambry internal data). This variant is considered to be rare based on population cohorts in the Genome Aggregation Database (gnomAD). Based on the majority of available evidence to date, this variant is likely to be pathogenic.

Labcorp Genetics (formerly Invitae), Labcorp
Classification: Likely pathogenic for Ataxia-telangiectasia syndrome. Last evaluated: 2024-03-09. Review status: criteria provided, single submitter. Criteria: Invitae Variant Classification Sherloc (09022015). Collection method: clinical testing. Allele origin: germline.
Comment: This sequence change affects an acceptor splice site in intron 25 of the ATM gene. It is expected to disrupt RNA splicing. Variants that disrupt the donor or acceptor splice site typically lead to a loss of protein function (PMID: 16199547), and loss-of-function variants in ATM are known to be pathogenic (PMID: 23807571, 25614872). This variant is not present in population databases (gnomAD no frequency). Disruption of this splice site has been observed in individual(s) with ataxia-telangiectasia (PMID: 21665257). ClinVar contains an entry for this variant (Variation ID: 371361). Algorithms developed to predict the effect of sequence changes on RNA splicing suggest that this variant may disrupt the consensus splice site. In summary, the currently available evidence indicates that the variant is pathogenic, but additional data are needed to prove that conclusively. Therefore, this variant has been classified as Likely Pathogenic.

Myriad Genetics, Inc.
Classification: Likely pathogenic for Familial cancer of breast. Last evaluated: 2024-01-22. Review status: criteria provided, single submitter. Criteria: Myriad Autosomal Dominant, Autosomal Recessive and X-Linked Classification Criteria (2023). Collection method: clinical testing. Allele origin: unknown.
Comment: This variant is considered likely pathogenic. This variant occurs within a consensus splice junction and is predicted to result in abnormal mRNA splicing of either an out-of-frame exon or an in-frame exon necessary for protein stability and/or normal function.

Revvity Omics, Revvity
Classification: Pathogenic for Ataxia-telangiectasia syndrome. Last evaluated: 2019-05-05. Review status: criteria provided, single submitter. Criteria: ACMG Guidelines, 2015. Collection method: clinical testing. Allele origin: germline.

Counsyl
Classification: Likely pathogenic for Ataxia-telangiectasia syndrome. Last evaluated: 2016-09-09. Review status: no assertion criteria provided. Collection method: clinical testing. Allele origin: unknown. Not counted in ClinVar's aggregate classification.

Literature cited by the submitters: PubMed 16199547 (cited by Labcorp Genetics (formerly Invitae), Labcorp); PubMed 23807571 (cited by Labcorp Genetics (formerly Invitae), Labcorp); PubMed 25614872 (cited by Labcorp Genetics (formerly Invitae), Labcorp); PubMed 21665257 (cited by Labcorp Genetics (formerly Invitae), Labcorp).